The following is an entry in ClinVar:

ClinVar aggregate classification (germline): Conflicting classifications of pathogenicity. Review status: criteria provided, conflicting classifications (1 of 4 stars). 13 submissions from 13 submitters: Uncertain significance (4); Benign (1); Likely benign (3). 5 of the submissions do not count toward it. Last evaluated 2026-02-02.

Conditions:
USH1G-related disorder. Also called: USH1G-related disorders; USH1G-related condition.
Retinal dystrophy. Also called: Inherited retinal dystrophy. Identifiers: Orphanet 71862, MedGen C0854723, MeSH D058499, MONDO:0019118, HP:0000556.
Usher syndrome type 1G. Also called: USHER SYNDROME, TYPE IG, MILD. Identifiers: Orphanet 231169, Orphanet 886, MedGen C1847089, MONDO:0011748, OMIM 606943.

Allele frequency attached by ClinVar (database versions not stated): gnomAD 0.00080; gnomAD exomes 0.00094; TOPMed 0.00098; ExAC 0.00103; ESP Exome Variant Server 0.00115.

Submissions (14):

Labcorp Genetics (formerly Invitae), Labcorp
Classification: Benign. Last evaluated: 2026-02-02. Review status: criteria provided, single submitter. Criteria: Invitae Variant Classification Sherloc (09022015). Collection method: clinical testing. Allele origin: germline.

CeGaT Center for Human Genetics Tuebingen
Classification: Likely benign. Last evaluated: 2025-09-01. Review status: criteria provided, single submitter. Criteria: CeGaT Center For Human Genetics Tuebingen Variant Classification Criteria Version 2. Collection method: clinical testing. Allele origin: germline. Affected: yes. Observed: 1 variant allele.
Comment: USH1G: BS1:Supporting

Blueprint Genetics
Classification: Likely benign. Last evaluated: 2024-11-06. Review status: criteria provided, single submitter. Criteria: ACMG Guidelines, 2015. Collection method: clinical testing. Allele origin: germline.

GeneDx
Classification: Likely benign. Last evaluated: 2020-05-29. Review status: criteria provided, single submitter. Criteria: GeneDx Variant Classification Process June 2021. Collection method: clinical testing. Allele origin: germline. Affected: yes.
Comment: This variant is associated with the following publications: (PMID: 23591405, 26878454)

Knight Diagnostic Laboratories, Oregon Health and Sciences University
Classification: Uncertain significance. Last evaluated: 2019-07-19. Review status: criteria provided, single submitter. Criteria: ACMG Guidelines, 2015. Collection method: clinical testing. Allele origin: germline. Observed: 1 variant allele.

Illumina Laboratory Services, Illumina
Classification: Uncertain significance for Usher syndrome type 1G. Last evaluated: 2017-04-27. Review status: criteria provided, single submitter. Criteria: ICSL Variant Classification Criteria 13 December 2019. Collection method: clinical testing. Allele origin: germline.
Comment: This variant was observed as part of a predisposition screen in an ostensibly healthy population. A literature search was performed for the gene, cDNA change, and amino acid change (where applicable). Publications were found based on this search. However, the evidence from the literature, in combination with allele frequency data from public databases where available, was not sufficient to rule this variant in or out of causing disease. Therefore, this variant is classified as a variant of unknown significance.

Laboratory for Molecular Medicine, Mass General Brigham Personalized Medicine
Classification: Uncertain significance. Last evaluated: 2016-07-21. Review status: criteria provided, single submitter. Criteria: LMM Criteria. Collection method: clinical testing. Allele origin: germline. Observed: 5 variant alleles.
Comment: Variant classified as Uncertain Significance - Favor Benign. The p.Leu420Val var iant in USH1G has now been identified in 2 individuals with Usher syndrome and 5 individuals with hearing loss. One of the individuals with Usher syndrome had t wo pathogenic variants in another gene which explained the disease (Glockle 2014 ). A variant affecting the remaining copy of USH1G was not detected in any of th e other individuals (LMM data). This variant has been identified in 0.2% (109/62 876) of European chromosomes by the Exome Aggregation Consortium (ExAC; dbSNP rs139897506). Although this variant has been seen in the general population, its frequency is not high enough to rule out a pathog enic role. Computational prediction tools and conservation analyses do not provi de strong support for or against an impact to the protein. In summary, while the clinical significance of the p.Leu420Val variant is uncertain, these data sugge st that it is more likely to be benign.

Eurofins Ntd Llc (ga)
Classification: Uncertain significance. Last evaluated: 2015-04-01. Review status: criteria provided, single submitter. Criteria: EGL Classification Definitions 2015. Collection method: clinical testing. Allele origin: germline. Observed: 1 variant allele, 1 heterozygote.

PreventionGenetics, part of Exact Sciences
Classification: Likely benign for USH1G-related condition. Last evaluated: 2022-07-18. Review status: no assertion criteria provided. Collection method: clinical testing. Allele origin: germline. Not counted in ClinVar's aggregate classification.
Comment: This variant is classified as likely benign based on ACMG/AMP sequence variant interpretation guidelines (Richards et al. 2015 PMID: 25741868, with internal and published modifications).

Institute of Human Genetics, Univ. Regensburg, Univ. Regensburg
Classification: Uncertain significance for Retinal dystrophy. Last evaluated: 2022-01-01. Review status: no assertion criteria provided. Criteria: ACMG Guidelines, 2015. Collection method: clinical testing. Allele origin: germline. Affected: yes. Not counted in ClinVar's aggregate classification.

Clinical Genetics DNA and cytogenetics Diagnostics Lab, Erasmus MC, Erasmus Medical Center
Classification: Uncertain significance. Review status: no assertion criteria provided. Collection method: clinical testing. Allele origin: germline. Affected: yes. Study: VKGL Data-share Consensus. Not counted in ClinVar's aggregate classification.

Department of Pathology and Laboratory Medicine, Sinai Health System
Classification: Uncertain significance. Review status: no assertion criteria provided. Collection method: clinical testing. Allele origin: unknown. Affected: yes. Study: The Canadian Open Genetics Repository (COGR). Not counted in ClinVar's aggregate classification.
Comment: The USH1G p.Leu420Val variant was identified as a heterozygous variant in 1 of 340 proband chromosomes (frequency: 0.00294) from an individual with Usher syndrome, however two pathogenic variants in the USH2A gene (p.C3090*, p.W3702*) were identified in this individual and were presumed to be the cause of disease (Glockle_2014_PMID:23591405). The variant was identified in dbSNP (ID: rs139897506), ClinVar (classified as uncertain significance by Laboratory for Molecular Medicine and EGL Genetic Diagnostics), and LOVD 3.0 (conflicting classifications). The variant was identified in control databases in 258 of 280002 chromosomes (1 homozygous) at a frequency of 0.0009214 increasing the likelihood this could be a low frequency benign variant (Genome Aggregation Database March 6, 2019, v2.1.1). The variant was observed in the following populations: European (non-Finnish) in 215 of 127098 chromosomes (freq: 0.001692), Other in 5 of 7168 chromosomes (freq: 0.000698), European (Finnish) in 14 of 25108 chromosomes (freq: 0.000558), African in 10 of 24562 chromosomes (freq: 0.000407), Latino in 10 of 35374 chromosomes (freq: 0.000283) and South Asian in 4 of 30562 chromosomes (freq: 0.000131), but was not observed in the Ashkenazi Jewish or East Asian populations. The p.Leu420 residue is conserved in mammals and computational analyses (PolyPhen-2, SIFT, AlignGVGD, BLOSUM, MutationTaster) provide inconsistent predictions regarding the impact to the protein; this information is not very predictive of pathogenicity. The variant occurs outside of the splicing consensus sequence and 2 of 4 in silico or computational prediction software programs (SpliceSiteFinder, MaxEntScan, NNSPLICE, GeneSplicer) predict a greater than 10% difference in splicing; this is not very predictive of pathogenicity. In summary, based on the above information the clinical significance of this variant cannot be determined with certainty at this time. This variant is classified as a variant of uncertain significance.

Dr. Peter K. Rogan Lab, Western University
No classification provided (evidence only). Condition: Clear cell carcinoma of kidney. Review status: no classification provided. Collection method: in vitro. Allele origin: not applicable. Functional consequence: retained intron. Not counted in ClinVar's aggregate classification.

Joint Genome Diagnostic Labs from Nijmegen and Maastricht, Radboudumc and MUMC+
Classification: Uncertain significance. Review status: no assertion criteria provided. Collection method: clinical testing. Allele origin: germline. Affected: yes. Study: VKGL Data-share Consensus. Not counted in ClinVar's aggregate classification.

Literature cited by the submitters: PubMed 23591405 (cited by Illumina Laboratory Services, Illumina and Laboratory for Molecular Medicine, Mass General Brigham Personalized Medicine); PubMed 26878454 (cited by Illumina Laboratory Services, Illumina).

NM_173477.5(USH1G):c.1258C>G (p.Leu420Val)

Gene: USH1G (USH1 protein network component sans; minus strand). Cytogenetic location: 17q25.1.
Variant type: single nucleotide variant.
Coding change: c.1258C>G on transcript NM_173477.5 (MANE Select); coding-DNA position 1258, C replaced by G.
Protein change: p.Leu420Val; replaces leucine 420 with valine.
Molecular consequence: missense variant.
Genome position (GRCh38, 1-based): chr17:74,919,578, G>C on the plus strand (C>G on the coding strand, the complement: USH1G is on the minus strand). VCF-style: chr17-74919578-G-C. GRCh37 (hg19) VCF-style: chr17-72915673-G-C.
Other names: c.949C>G, p.Leu317Val (NM_001282489.3); short protein forms L420V, L317V.
Identifiers: ClinVar variation 48126 (VCV000048126.38), dbSNP rs139897506, ClinGen allele CA142646.